The following is an entry in ClinVar:

ClinVar aggregate classification (germline): Uncertain significance. Review status: criteria provided, multiple submitters, no conflicts (2 of 4 stars). 2 submissions from 2 submitters: Uncertain significance (2). Last evaluated 2023-06-12.

Conditions:
Familial cancer of breast. Also called: Hereditary breast cancer; BREAST CANCER, FAMILIAL; hereditary breast carcinoma. Identifiers: Orphanet 227535, MedGen C0346153, MONDO:0016419, OMIM 114480. Disease mechanism: loss of function.

Allele frequency attached by ClinVar (database versions not stated): gnomAD exomes below 0.00001.
gnomAD v4.1: 1 of 1,614,020 alleles (0.000062%); highest among the groups gnomAD compares: Admixed American, 0.0017%; no homozygotes.

Submissions (2):

GeneDx
Classification: Uncertain significance. Last evaluated: 2023-06-12. Review status: criteria provided, single submitter. Criteria: GeneDx Variant Classification Process June 2021. Collection method: clinical testing. Allele origin: germline. Affected: yes.
Comment: Not observed at significant frequency in large population cohorts (gnomAD); In silico analysis supports that this missense variant does not alter protein structure/function; Has not been previously published as pathogenic or benign to our knowledge

Labcorp Genetics (formerly Invitae), Labcorp
Classification: Uncertain significance for Familial cancer of breast. Last evaluated: 2023-04-07. Review status: criteria provided, single submitter. Criteria: Invitae Variant Classification Sherloc (09022015). Collection method: clinical testing. Allele origin: germline.
Comment: In summary, the available evidence is currently insufficient to determine the role of this variant in disease. Therefore, it has been classified as a Variant of Uncertain Significance. Algorithms developed to predict the effect of missense changes on protein structure and function output the following: SIFT: "Not Available"; PolyPhen-2: "Benign"; Align-GVGD: "Not Available". The alanine amino acid residue is found in multiple mammalian species, which suggests that this missense change does not adversely affect protein function. ClinVar contains an entry for this variant (Variation ID: 1944607). This variant has not been reported in the literature in individuals affected with BARD1-related conditions. This variant is not present in population databases (gnomAD no frequency). This sequence change replaces threonine, which is neutral and polar, with alanine, which is neutral and non-polar, at codon 562 of the BARD1 protein (p.Thr562Ala).

NM_000465.4(BARD1):c.1684A>G (p.Thr562Ala)

Gene: BARD1 (BRCA1 associated RING domain 1; minus strand). Cytogenetic location: 2q35.
Variant type: single nucleotide variant.
Coding change: c.1684A>G on transcript NM_000465.4 (MANE Select); coding-DNA position 1684, A replaced by G.
Protein change: p.Thr562Ala; replaces threonine 562 with alanine.
Molecular consequence: missense variant. On other transcripts: non-coding transcript variant (3), intron variant (1).
Genome position (GRCh38, 1-based): chr2:214,745,848, T>C on the plus strand (A>G on the coding strand, the complement: BARD1 is on the minus strand). VCF-style: chr2-214745848-T-C. GRCh37 (hg19) VCF-style: chr2-215610572-T-C.
Other names: c.1627A>G, p.Thr543Ala (NM_001282543.2); c.331A>G, p.Thr111Ala (NM_001282545.2); c.274A>G, p.Thr92Ala (NM_001282548.2); c.365-15340A>G (NM_001282549.2); c.1684A>G (NM_000465.2); short protein forms T543A, T92A, T111A, T562A.
Identifiers: ClinVar variation 1944607 (VCV001944607.6), dbSNP rs876659576, ClinGen allele CA350453321.